The following is an entry in ClinVar:

ClinVar aggregate classification (germline): Uncertain significance. Review status: criteria provided, multiple submitters, no conflicts (2 of 4 stars). 2 submissions from 2 submitters: Uncertain significance (2). Last evaluated 2025-11-05.

Conditions:
Inborn genetic diseases. Identifiers: MedGen C0950123, MeSH D030342.

Submissions (2):

Ambry Genetics
Classification: Uncertain significance for Inborn genetic diseases. Last evaluated: 2025-11-05. Review status: criteria provided, single submitter. Criteria: Ambry Variant Classification Scheme 2023. Collection method: clinical testing. Allele origin: germline.

Labcorp Genetics (formerly Invitae), Labcorp
Classification: Uncertain significance. Last evaluated: 2024-02-22. Review status: criteria provided, single submitter. Criteria: Invitae Variant Classification Sherloc (09022015). Collection method: clinical testing. Allele origin: germline.
Comment: This sequence change replaces glycine, which is neutral and non-polar, with aspartic acid, which is acidic and polar, at codon 326 of the SLC26A1 protein (p.Gly326Asp). This variant is present in population databases (rs147075631, gnomAD 0.002%). This variant has not been reported in the literature in individuals affected with SLC26A1-related conditions. Advanced modeling of protein sequence and biophysical properties (such as structural, functional, and spatial information, amino acid conservation, physicochemical variation, residue mobility, and thermodynamic stability) performed at Invitae indicates that this missense variant is expected to disrupt SLC26A1 protein function with a positive predictive value of 80%. In summary, the available evidence is currently insufficient to determine the role of this variant in disease. Therefore, it has been classified as a Variant of Uncertain Significance.

NM_022042.4(SLC26A1):c.977G>A (p.Gly326Asp)

Genes: IDUA (alpha-L-iduronidase; plus strand), SLC26A1 (solute carrier family 26 member 1; minus strand). Cytogenetic location: 4p16.3.
Variant type: single nucleotide variant.
Coding change: c.977G>A on transcript NM_022042.4 (MANE Select); coding-DNA position 977, G replaced by A.
Protein change: p.Gly326Asp; replaces glycine 326 with aspartic acid.
Molecular consequence: missense variant. On other transcripts: intron variant (2).
Genome position (GRCh38, 1-based): chr4:989,962, C>T on the plus strand (G>A on the coding strand, the complement: SLC26A1 is on the minus strand). VCF-style: chr4-989962-C-T. GRCh37 (hg19) VCF-style: chr4-983750-C-T.
Other names: c.977G>A, p.Gly326Asp (NM_213613.4); c.576+1166G>A (NM_134425.4); c.299+2013C>T (NM_000203.5); c.977G>A (NM_213613.2); short protein forms G326D.
Identifiers: ClinVar variation 3611059 (VCV003611059.3).